The following is an entry in ClinVar:

ClinVar aggregate classification (germline): Benign. Review status: criteria provided, multiple submitters, no conflicts (2 of 4 stars). 2 submissions from 2 submitters: Benign (2). Last evaluated 2018-06-14.

Allele frequency attached by ClinVar (database versions not stated): 1000 Genomes Project 0.01837; 1000 Genomes Project 30x 0.01843; TOPMed 0.03051; gnomAD 0.03413 and 0.03488; gnomAD exomes 0.04852.
gnomAD v4.1: 72,979 of 1,557,308 alleles (4.7%); highest among the groups gnomAD compares: Non-Finnish European, 5.5%; 2,023 homozygotes.

Submissions (2):

GeneDx
Classification: Benign. Last evaluated: 2018-06-14. Review status: criteria provided, single submitter. Criteria: GeneDx Variant Classification (06012015). Collection method: clinical testing. Allele origin: germline. Affected: yes.
Comment: This variant is considered likely benign or benign based on one or more of the following criteria: it is a conservative change, it occurs at a poorly conserved position in the protein, it is predicted to be benign by multiple in silico algorithms, and/or has population frequency not consistent with disease.

Breakthrough Genomics
Classification: Benign. Review status: criteria provided, single submitter. Criteria: ACMG Guidelines, 2015. Collection method: not provided. Allele origin: germline. Inheritance: Autosomal dominant inheritance. Affected: yes.

NM_001376.5(DYNC1H1):c.5977+77G>A

Gene: DYNC1H1 (dynein cytoplasmic 1 heavy chain 1; plus strand). Cytogenetic location: 14q32.31.
Variant type: single nucleotide variant.
Coding change: c.5977+77G>A on transcript NM_001376.5 (MANE Select); 77 bases into the intron after coding-DNA position 5977, G replaced by A.
Molecular consequence: intron variant.
Genome position (GRCh38, 1-based): chr14:102,008,414, G>A. VCF-style: chr14-102008414-G-A. GRCh37 (hg19) VCF-style: chr14-102474751-G-A.
Identifiers: ClinVar variation 674023 (VCV000674023.2), dbSNP rs45508391, ClinGen allele CA267001453.